The following is an entry in ClinVar:

ClinVar aggregate classification (germline): Uncertain significance. Review status: criteria provided, multiple submitters, no conflicts (2 of 4 stars). 3 submissions from 3 submitters: Uncertain significance (3). Last evaluated 2023-07-25.

Conditions:
RYR1-related disorder. Also called: RYR1-related condition; RYR1-related disorders. Identifiers: MedGen CN239331.
Inborn genetic diseases. Identifiers: MedGen C0950123, MeSH D030342.

gnomAD v4.1: 2 of 1,449,932 alleles (0.00014%); highest among the groups gnomAD compares: African/African-American, 0.0015%; no homozygotes.

Submissions (3):

Ambry Genetics
Classification: Uncertain significance for Inborn genetic diseases. Last evaluated: 2023-07-25. Review status: criteria provided, single submitter. Criteria: Ambry Variant Classification Scheme 2023. Collection method: clinical testing. Allele origin: germline.

Labcorp Genetics (formerly Invitae), Labcorp
Classification: Uncertain significance for RYR1-related disorder. Last evaluated: 2021-10-22. Review status: criteria provided, single submitter. Criteria: Invitae Variant Classification Sherloc (09022015). Collection method: clinical testing. Allele origin: germline.
Comment: In summary, the available evidence is currently insufficient to determine the role of this variant in disease. Therefore, it has been classified as a Variant of Uncertain Significance. Advanced modeling of protein sequence and biophysical properties (such as structural, functional, and spatial information, amino acid conservation, physicochemical variation, residue mobility, and thermodynamic stability) performed at Invitae indicates that this missense variant is not expected to disrupt RYR1 protein function. This variant has not been reported in the literature in individuals affected with RYR1-related conditions. The frequency data for this variant in the population databases is considered unreliable, as metrics indicate insufficient coverage at this position in the ExAC database. This sequence change replaces glutamic acid with alanine at codon 4423 of the RYR1 protein (p.Glu4423Ala). The glutamic acid residue is moderately conserved and there is a moderate physicochemical difference between glutamic acid and alanine.

Revvity Omics, Revvity
Classification: Uncertain significance. Last evaluated: 2021-04-06. Review status: criteria provided, single submitter. Criteria: ACMG Guidelines, 2015. Collection method: clinical testing. Allele origin: germline.

NM_000540.3(RYR1):c.13268A>C (p.Glu4423Ala)

Gene: RYR1 (ryanodine receptor 1; plus strand). Cytogenetic location: 19q13.2.
Variant type: single nucleotide variant.
Coding change: c.13268A>C on transcript NM_000540.3 (MANE Select); coding-DNA position 13268, A replaced by C.
Protein change: p.Glu4423Ala; replaces glutamic acid 4423 with alanine.
Molecular consequence: missense variant.
Genome position (GRCh38, 1-based): chr19:38,565,602, A>C. VCF-style: chr19-38565602-A-C. GRCh37 (hg19) VCF-style: chr19-39056242-A-C.
Other names: c.13253A>C, p.Glu4418Ala (NM_001042723.2); c.13268A>C (NM_000540.2); short protein forms E4418A, E4423A.
Identifiers: ClinVar variation 1415229 (VCV001415229.10), dbSNP rs1358394495, ClinGen allele CA405674693.